The following is an entry in ClinVar:

NM_001399.5(EDA):c.628G>T (p.Gly210Ter)

Gene: EDA (ectodysplasin A; plus strand). Cytogenetic location: Xq13.1.
Variant type: single nucleotide variant.
Coding change: c.628G>T on transcript NM_001399.5 (MANE Select); coding-DNA position 628, G replaced by T.
Protein change: p.Gly210Ter; replaces glycine 210 with a stop codon.
Molecular consequence: nonsense.
Genome position (GRCh38, 1-based): chrX:70,027,958, G>T. VCF-style: chrX-70027958-G-T. GRCh37 (hg19) VCF-style: chrX-69247808-G-T.
Other names: c.628G>T, p.Gly210Ter (NM_001005609.2, NM_001005612.3); short protein forms G210*.
Identifiers: ClinVar variation 458660 (VCV000458660.6), dbSNP rs1556098733, ClinGen allele CA413448380.

ClinVar aggregate classification (germline): Pathogenic (1 of 4 stars; one submission).

Conditions:
Hypohidrotic X-linked ectodermal dysplasia (XHED). Also called: Ectodermal Dysplasia 1, Anhidrotic; ECTODERMAL DYSPLASIA, HYPOHIDROTIC, 1; CST SYNDROME; ECTODERMAL DYSPLASIA 1; Christ-Siemans-Touraine syndrome; Anhidrotic ectodermal dysplasia X-linked. Identifiers: Orphanet 181, Orphanet 238468, MedGen C0162359, MONDO:0010585, OMIM 305100.

Submission:

Labcorp Genetics (formerly Invitae), Labcorp
Classification: Pathogenic for Hypohidrotic X-linked ectodermal dysplasia. Last evaluated: 2017-07-02. Review status: criteria provided, single submitter. Criteria: Invitae Variant Classification Sherloc (09022015). Collection method: clinical testing. Allele origin: germline.
Comment: This variant is not present in population databases (ExAC no frequency). This sequence change creates a premature translational stop signal (p.Gly210*) in the EDA gene. It is expected to result in an absent or disrupted protein product. This variant has not been reported in the literature in individuals with EDA-related disease. For these reasons, this variant has been classified as Pathogenic. Loss-of-function variants in EDA are known to be pathogenic (PMID: 9683615).

Literature cited by the submitters: PubMed 9683615.